The following is an entry in ClinVar:

ClinVar aggregate classification (germline): Likely pathogenic (1 of 4 stars; one submission).

Conditions:
Mucopolysaccharidosis, MPS-III-C (MPS3C). Also called: MPS IIIC (Sanfilippo Syndrome Type C); MUCOPOLYSACCHARIDOSIS, TYPE IIIC; Mucopolysaccharidosis type IIIC (Sanfilippo C); mucopolysaccharidosis type 3C; SANFILIPPO SYNDROME C; MPS III C. Identifiers: Orphanet 581, Orphanet 79271, MedGen C0086649, MONDO:0009657, OMIM 252930.

Submissions (2):

Myriad Genetics, Inc.
Classification: Likely pathogenic for Mucopolysaccharidosis, MPS-III-C. Last evaluated: 2019-04-23. Review status: criteria provided, single submitter. Criteria: Myriad Women's Health Autosomal Recessive and X-Linked Classification Criteria (2019). Collection method: clinical testing. Allele origin: unknown.
Comment: NM_152419.2(HGSNAT):c.1567A>T(K523*) is expected to be pathogenic in the context of mucopolysaccharidosis type IIIC. This variant is predicted to lead to an abnormal or absent protein product due to the creation of a premature termination codon in HGSNAT, a gene where loss-of-function variants are known to be pathogenic. Please note: this variant was assessed in the context of healthy population screening.

Dr. Peter K. Rogan Lab, Western University
No classification provided (evidence only). Condition: Thyroid cancer, nonmedullary, 1. Review status: no classification provided. Collection method: in vitro. Allele origin: not applicable. Functional consequence: retained intron. Not counted in ClinVar's aggregate classification.

NM_152419.3(HGSNAT):c.1567A>T (p.Lys523Ter)

Gene: HGSNAT (heparan-alpha-glucosaminide N-acetyltransferase; plus strand). Cytogenetic location: 8p11.21.
Variant type: single nucleotide variant.
Coding change: c.1567A>T on transcript NM_152419.3 (MANE Select); coding-DNA position 1567, A replaced by T.
Protein change: p.Lys523Ter; replaces lysine 523 with a stop codon.
Molecular consequence: nonsense.
Genome position (GRCh38, 1-based): chr8:43,197,696, A>T. VCF-style: chr8-43197696-A-T. GRCh37 (hg19) VCF-style: chr8-43052839-A-T.
Other names: NC_000008.10:g.43052839A>T; c.1654A>T, p.Lys552Ter (NM_001363227.2); c.1375A>T, p.Lys459Ter (NM_001363228.2); c.703A>T, p.Lys235Ter (NM_001363229.2); short protein forms K235*, K459*, K523*, K552*.
Identifiers: ClinVar variation 983889 (VCV000983889.4), dbSNP rs73569592, ClinGen allele CA371120480.